The following is an entry in ClinVar:

ClinVar aggregate classification (germline): Uncertain significance (1 of 4 stars; one submission).

Conditions:
Progressive myoclonic epilepsy type 8. Identifiers: Orphanet 424027, MedGen C5190825, MONDO:0014545, OMIM 616230.

Allele frequency attached by ClinVar (database versions not stated): ExAC 0.00006.
gnomAD v4.1: 10 of 1,610,548 alleles (0.00062%); highest among the groups gnomAD compares: East Asian, 0.0067%; no homozygotes.

Submission:

Labcorp Genetics (formerly Invitae), Labcorp
Classification: Uncertain significance for Progressive myoclonic epilepsy type 8. Last evaluated: 2022-05-04. Review status: criteria provided, single submitter. Criteria: Invitae Variant Classification Sherloc (09022015). Collection method: clinical testing. Allele origin: germline.
Comment: In summary, the available evidence is currently insufficient to determine the role of this variant in disease. Therefore, it has been classified as a Variant of Uncertain Significance. Algorithms developed to predict the effect of missense changes on protein structure and function are either unavailable or do not agree on the potential impact of this missense change (SIFT: "Tolerated"; PolyPhen-2: "Probably Damaging"; Align-GVGD: "Class C0"). This variant has not been reported in the literature in individuals affected with CERS1-related conditions. This variant is present in population databases (rs755528875, gnomAD 0.02%). This sequence change replaces alanine, which is neutral and non-polar, with threonine, which is neutral and polar, at codon 103 of the CERS1 protein (p.Ala103Thr).

NM_021267.5(CERS1):c.307G>A (p.Ala103Thr)

Genes: CERS1 (ceramide synthase 1; minus strand), GDF1 (growth differentiation factor 1; minus strand). Cytogenetic location: 19p13.11.
Variant type: single nucleotide variant.
Coding change: c.307G>A on transcript NM_021267.5 (MANE Select); coding-DNA position 307, G replaced by A.
Protein change: p.Ala103Thr; replaces alanine 103 with threonine.
Molecular consequence: missense variant. On other transcripts: 5 prime UTR variant (2).
Genome position (GRCh38, 1-based): chr19:18,893,518, C>T on the plus strand (G>A on the coding strand, the complement: CERS1 is on the minus strand). VCF-style: chr19-18893518-C-T. GRCh37 (hg19) VCF-style: chr19-19004327-C-T.
Other names: c.13G>A, p.Ala5Thr (NM_001290265.2, NM_001387442.1, NM_001387443.1 and 2 more transcripts); c.307G>A, p.Ala103Thr (NM_001387439.1, NM_001387440.1, NM_001387441.1 and 1 more transcripts); c.-596G>A (NM_001387438.1); c.-1016G>A (NM_001492.6); short protein forms A103T, A5T.
Identifiers: ClinVar variation 2026502 (VCV002026502.4), dbSNP rs755528875, ClinGen allele CA9318309.